The following is an entry in ClinVar:

NM_001429.4(EP300):c.5586del (p.Gln1862fs)

Gene: EP300 (EP300 lysine acetyltransferase; plus strand). Cytogenetic location: 22q13.2.
Variant type: Deletion.
Coding change: c.5586del on transcript NM_001429.4 (MANE Select); coding-DNA position 5586, one base deleted (G; older notation c.5586delG).
Protein change: p.Gln1862fs; shifts the reading frame from glutamine 1862.
Molecular consequence: frameshift variant.
Genome position (GRCh38, 1-based): chr22:41,177,297, G deleted. VCF-style (leftmost placement, unchanged base first): chr22-41177296-AG-A. GRCh37 (hg19) VCF-style: chr22-41573300-AG-A.
Other names: c.5508del, p.Gln1836fs (NM_001362843.2); short protein forms Q1836fs, Q1862fs.
Identifiers: ClinVar variation 3362359 (VCV003362359.3).

ClinVar aggregate classification (germline): Likely pathogenic (1 of 4 stars; one submission).

Conditions:
Rubinstein-Taybi syndrome due to EP300 haploinsufficiency. Also called: EP300-Related Rubinstein-Taybi Syndrome; RUBINSTEIN-TAYBI SYNDROME 2. Identifiers: Orphanet 353284, Orphanet 783, MedGen C3150941, MONDO:0013364, OMIM 613684.

Submission:

Neuberg Centre For Genomic Medicine, NCGM
Classification: Likely pathogenic for Rubinstein-Taybi syndrome due to EP300 haploinsufficiency. Last evaluated: 2023-05-20. Review status: criteria provided, single submitter. Criteria: ACMG Guidelines, 2015. Collection method: clinical testing. Allele origin: germline. Inheritance: Autosomal dominant inheritance. Affected: yes.
Comment: The frame shift c.5586del (p.Gln1862HisfsTer44) variant in the EP300 gene has not been reported previously as a pathogenic variant nor as a benign variant, to our knowledge. This variant is absent in the gnomAD Exomes. This variant causes a frameshift starting with codon Glutamine 1862, changes this amino acid to Histidine residue, and creates a premature Stop codon at position 44 of the new reading frame, denoted p.Gln1862HisfsTer44. Though this variant is present in the last exon, there are several pathogenic heterozygous variants reported beyond this position in the ClinVar database. Loss of function variants have been previously reported to be disease causing. However, further studies will be required to prove protein truncation. For these reasons, this variant has been classified as Likely pathogenic.